The following is an entry in ClinVar:

NM_001042492.3(NF1):c.2209del (p.Thr737fs)

Gene: NF1 (neurofibromin 1; plus strand). Cytogenetic location: 17q11.2.
Variant type: Deletion.
Coding change: c.2209del on transcript NM_001042492.3 (MANE Select); coding-DNA position 2209, one base deleted (A; older notation c.2209delA).
Protein change: p.Thr737fs; shifts the reading frame from threonine 737.
Molecular consequence: frameshift variant.
Genome position (GRCh38, 1-based): chr17:31,226,642, A deleted. VCF-style (leftmost placement, unchanged base first): chr17-31226641-CA-C. GRCh37 (hg19) VCF-style: chr17-29553659-CA-C.
Other names: c.2209delA, p.Thr737Hisfs (NM_000267.4); short protein forms T737fs.
Identifiers: ClinVar variation 948318 (VCV000948318.6), dbSNP rs2067020259, ClinGen allele CA1139665421.

ClinVar aggregate classification (germline): Pathogenic (1 of 4 stars; one submission).

Conditions:
Neurofibromatosis, type 1 (NF1). Also called: Peripheral type neurofibromatosis; Neurofibromatosis, type I; VON RECKLINGHAUSEN DISEASE; NEUROFIBROMATOSIS, TYPE I, SOMATIC. Identifiers: Orphanet 636, MedGen C0027831, MONDO:0018975, OMIM 162200. Disease mechanism: loss of function.

Submission:

Labcorp Genetics (formerly Invitae), Labcorp
Classification: Pathogenic for Neurofibromatosis, type 1. Last evaluated: 2019-04-24. Review status: criteria provided, single submitter. Criteria: Invitae Variant Classification Sherloc (09022015). Collection method: clinical testing. Allele origin: germline.
Comment: This sequence change creates a premature translational stop signal (p.Thr737Hisfs*11) in the NF1 gene. It is expected to result in an absent or disrupted protein product. This variant is not present in population databases (ExAC no frequency). This variant has not been reported in the literature in individuals with NF1-related conditions. Loss-of-function variants in NF1 are known to be pathogenic (PMID: 10712197, 23913538). For these reasons, this variant has been classified as Pathogenic.

Literature cited by the submitters: PubMed 10712197; PubMed 23913538.